The following is an entry in ClinVar:

ClinVar aggregate classification (germline): Uncertain significance (1 of 4 stars; one submission).

Conditions:
Inborn genetic diseases. Identifiers: MedGen C0950123, MeSH D030342.

Submission:

Ambry Genetics
Classification: Uncertain significance for Inborn genetic diseases. Last evaluated: 2025-06-06. Review status: criteria provided, single submitter. Criteria: Ambry Variant Classification Scheme 2023. Collection method: clinical testing. Allele origin: germline.
Comment: The p.G687D variant (also known as c.2060G>A), located in coding exon 16 of the BUB1B gene, results from a G to A substitution at nucleotide position 2060. The glycine at codon 687 is replaced by aspartic acid, an amino acid with similar properties. This amino acid position is conserved. In addition, this alteration is predicted to be tolerated by in silico analysis. Based on the available evidence, the clinical significance of this variant remains unclear.

NM_001211.6(BUB1B):c.2060G>A (p.Gly687Asp)

Gene: BUB1B (BUB1 mitotic checkpoint serine/threonine kinase B; plus strand). Cytogenetic location: 15q15.1.
Variant type: single nucleotide variant.
Coding change: c.2060G>A on transcript NM_001211.6 (MANE Select); coding-DNA position 2060, G replaced by A.
Protein change: p.Gly687Asp; replaces glycine 687 with aspartic acid.
Molecular consequence: missense variant.
Genome position (GRCh38, 1-based): chr15:40,208,687, G>A. VCF-style: chr15-40208687-G-A. GRCh37 (hg19) VCF-style: chr15-40500888-G-A.
Other names: short protein forms G687D.
Identifiers: ClinVar variation 3993745 (VCV003993745.1).